The following is an entry in ClinVar:

NM_002076.4(GNS):c.1201-2A>G

Gene: GNS (glucosamine (N-acetyl)-6-sulfatase; minus strand). Cytogenetic location: 12q14.3.
Variant type: single nucleotide variant.
Coding change: c.1201-2A>G on transcript NM_002076.4 (MANE Select); the canonical splice acceptor site of the intron before coding-DNA position 1201, A replaced by G.
Molecular consequence: splice acceptor variant.
Genome position (GRCh38, 1-based): chr12:64,723,115, T>C on the plus strand (A>G on the coding strand, the complement: GNS is on the minus strand). VCF-style: chr12-64723115-T-C. GRCh37 (hg19) VCF-style: chr12-65116895-T-C.
Identifiers: ClinVar variation 3061394 (VCV003061394.2), dbSNP rs2539505307, ClinGen allele CA385603496.

ClinVar aggregate classification (germline): Likely pathogenic (0 of 4 stars; one submission).

Conditions:
GNS-related disorder. Also called: GNS-related condition.

Submission:

PreventionGenetics, part of Exact Sciences
Classification: Likely pathogenic for GNS-related condition. Last evaluated: 2024-02-28. Review status: no assertion criteria provided. Collection method: clinical testing. Allele origin: germline.
Comment: The GNS c.1201-2A>G variant is predicted to disrupt the AG splice acceptor site and interfere with normal splicing. To our knowledge, this variant has not been reported in the literature or in a large population database, indicating this variant is rare. Variants that disrupt the consensus splice acceptor site in GNS are expected to be pathogenic. This variant is interpreted as likely pathogenic.